The following is an entry in ClinVar:

NM_001098484.3(SLC4A4):c.2773C>T (p.Arg925Cys)

Gene: SLC4A4 (solute carrier family 4 member 4; plus strand). Cytogenetic location: 4q13.3.
Variant type: single nucleotide variant.
Coding change: c.2773C>T on transcript NM_001098484.3 (MANE Select); coding-DNA position 2773, C replaced by T.
Protein change: p.Arg925Cys; replaces arginine 925 with cysteine.
Molecular consequence: missense variant.
Genome position (GRCh38, 1-based): chr4:71,557,721, C>T. VCF-style: chr4-71557721-C-T. GRCh37 (hg19) VCF-style: chr4-72423438-C-T.
Other names: c.2773C>T, p.Arg925Cys (NM_001134742.2); c.2788C>T, p.Arg930Cys (NM_001440628.1); c.2866C>T, p.Arg956Cys (NM_001440629.1); c.2641C>T, p.Arg881Cys (NM_003759.4); short protein forms R881C, R925C, R930C, R956C.
Identifiers: ClinVar variation 4688277 (VCV004688277.2).

ClinVar aggregate classification (germline): Uncertain significance. Review status: criteria provided, multiple submitters, no conflicts (2 of 4 stars). 2 submissions from 2 submitters: Uncertain significance (2). Last evaluated 2025-12-31.

Conditions:
Autosomal recessive proximal renal tubular acidosis (PRTAO). Also called: RENAL TUBULAR ACIDOSIS, PROXIMAL, WITH OCULAR ABNORMALITIES AND MENTAL RETARDATION; RENAL TUBULAR ACIDOSIS, PROXIMAL, WITH OCULAR ABNORMALITIES AND IMPAIRED INTELLECTUAL DEVELOPMENT; RTA, PROXIMAL, AUTOSOMAL RECESSIVE; PROXIMAL RENAL TUBULAR ACIDOSIS-OCULAR ANOMALY SYNDROME. Identifiers: Orphanet 93607, MedGen C1970309, MONDO:0011422, OMIM 604278.

gnomAD v4.1: 2 of 1,612,520 alleles (0.00012%); highest among the groups gnomAD compares: African/African-American, 0.0013%; no homozygotes.

Submissions (2):

Women's Health and Genetics/Laboratory Corporation of America, LabCorp
Classification: Uncertain significance. Last evaluated: 2025-12-31. Review status: criteria provided, single submitter. Criteria: LabCorp Variant Classification Summary - May 2015. Collection method: clinical testing. Allele origin: germline.
Comment: Variant summary: SLC4A4 c.2773C>T (p.Arg925Cys) results in a non-conservative amino acid change in the encoded protein sequence. Algorithms developed to predict the effect of missense changes on protein structure and function all suggest that this variant is likely to be disruptive. The variant was absent in 250214 control chromosomes. c.2773C>T has been observed in a homozygous individual affected with Autosomal Recessive Proximal Renal Tubular Acidosis (Horita_2005). These data indicate that the variant may be associated with disease. At least one publication reports experimental evidence evaluating an impact on protein function and the most pronounced variant effect results in 39% of normal activity (Horita_2005). The following publication have been ascertained in the context of this evaluation (PMID: 15930088). No submitters have cited clinical-significance assessments for this variant to ClinVar. Based on the evidence outlined above, the variant was classified as VUS-possibly pathogenic.

3billion
Classification: Uncertain significance for Autosomal recessive proximal renal tubular acidosis. Last evaluated: 2025-10-27. Review status: criteria provided, single submitter. Criteria: ACMG Guidelines, 2015. Collection method: clinical testing. Allele origin: germline. Affected: yes.
Comment: The variant is observed at an extremely low frequency in the gnomAD v4.1.0 dataset (total allele frequency: <0.001%). Predicted Consequence/Location: Missense variant In silico tool predictions suggest damaging effect of the variant on gene or gene product [REVEL: 0.90 (>=0.6, sensitivity 0.68 and specificity 0.92)]. The same nucleotide change resulting in the same amino acid change has been previously reported to be associated with SLC4A4-related disorder (PMID: 15930088). However, the evidence of pathogenicity is insufficient at this time. Therefore, this variant is classified as VUS according to the recommendation of ACMG/AMP guideline.

Literature cited by the submitters: PubMed 15930088 (cited by Women's Health and Genetics/Laboratory Corporation of America, LabCorp and 3billion).